The following is an entry in ClinVar:

NM_021224.6(ZNF462):c.577A>G (p.Thr193Ala)

Gene: ZNF462 (zinc finger protein 462; plus strand). Cytogenetic location: 9q31.2.
Variant type: single nucleotide variant.
Coding change: c.577A>G on transcript NM_021224.6 (MANE Select); coding-DNA position 577, A replaced by G.
Protein change: p.Thr193Ala; replaces threonine 193 with alanine.
Molecular consequence: missense variant.
Genome position (GRCh38, 1-based): chr9:106,924,489, A>G. VCF-style: chr9-106924489-A-G. GRCh37 (hg19) VCF-style: chr9-109686770-A-G.
Other names: c.577A>G, p.Thr193Ala (NM_001347997.2); short protein forms T193A.
Identifiers: ClinVar variation 712033 (VCV000712033.11), dbSNP rs142022589, ClinGen allele CA5171174.
Genomic context (GRCh38, chr9:106,924,489, plus strand): 5'-AGAAGGGCAAGAATAATTAAGCATCAGAAGATGTATCACAAAAACAATTTGAAGGAGACC[A>G]CTGCTCCCCCACCTGCTCCTGCTCCAATGCCAGACCCTGTGGTTCCGCCCGTATCACTGC-3'
Protein context (NP_067047.4, residues 183-203): MYHKNNLKET[Thr193Ala]APPPAPAPMP

ClinVar aggregate classification (germline): Benign/Likely benign. Review status: criteria provided, multiple submitters, no conflicts (2 of 4 stars). 3 submissions from 3 submitters: Benign (1); Likely benign (2). Last evaluated 2026-03-01.

Conditions:
Inborn genetic diseases. Identifiers: MedGen C0950123, MeSH D030342.

Allele frequency attached by ClinVar (database versions not stated): gnomAD exomes 0.00018 and 0.00056; ExAC 0.00072; 1000 Genomes Project 30x 0.00172; gnomAD 0.00218 and 0.00236; 1000 Genomes Project 0.00220; ESP Exome Variant Server 0.00223; TOPMed 0.00230.
gnomAD v4.1: 601 of 1,614,162 alleles (0.037%); highest among the groups gnomAD compares: African/African-American, 0.73%; 4 homozygotes.

Submissions (3):

CeGaT Center for Human Genetics Tuebingen
Classification: Likely benign. Last evaluated: 2026-03-01. Review status: criteria provided, single submitter. Criteria: CeGaT Center For Human Genetics Tuebingen Variant Classification Criteria Version 2. Collection method: clinical testing. Allele origin: germline. Affected: yes. Observed: 2 variant alleles.
Comment: ZNF462: BP4, BS1

Ambry Genetics
Classification: Likely benign for Inborn genetic diseases. Last evaluated: 2022-02-10. Review status: criteria provided, single submitter. Criteria: Ambry Variant Classification Scheme 2023. Collection method: clinical testing. Allele origin: germline.

Labcorp Genetics (formerly Invitae), Labcorp
Classification: Benign. Last evaluated: 2019-12-31. Review status: criteria provided, single submitter. Criteria: Invitae Variant Classification Sherloc (09022015). Collection method: clinical testing. Allele origin: germline.